The following is an entry in ClinVar:

NM_000038.6(APC):c.1414C>A (p.Leu472Ile)

Gene: APC (APC regulator of Wnt signaling pathway; plus strand). Cytogenetic location: 5q22.2.
Variant type: single nucleotide variant.
Coding change: c.1414C>A on transcript NM_000038.6 (MANE Select); coding-DNA position 1414, C replaced by A.
Protein change: p.Leu472Ile; replaces leucine 472 with isoleucine.
Molecular consequence: missense variant.
Genome position (GRCh38, 1-based): chr5:112,827,113, C>A. VCF-style: chr5-112827113-C-A. GRCh37 (hg19) VCF-style: chr5-112162810-C-A.
Other names: c.1330C>A, p.Leu444Ile (NM_001354899.2); c.1291C>A, p.Leu431Ile (NM_001354900.2); c.1237C>A, p.Leu413Ile (NM_001354901.2, NM_001407453.1); c.1141C>A, p.Leu381Ile (NM_001354902.2); c.1111C>A, p.Leu371Ile (NM_001354903.2, NM_001407458.1, NM_001407459.1 and 1 more transcripts); c.1036C>A, p.Leu346Ile (NM_001354904.2); c.934C>A, p.Leu312Ile (NM_001354905.2); c.565C>A, p.Leu189Ile (NM_001354906.2, NM_001407470.1); and 11 more; short protein forms L472I, L346I, L389I, L447I, L462I, L465I, L312I, L343I.
Identifiers: ClinVar variation 4827274 (VCV004827274.1).
Genomic context (GRCh38, chr5:112,827,113, plus strand): 5'-CCAGTTTGTTTTATTTTAGATGATTGTCTTTTTCCTCTTGCCCTTTTTAAATTAGGGGGA[C>A]TACAGGCCATTGCAGAATTATTGCAAGTGGACTGTGAAATGTATGGGCTTACTAATGACC-3'
Protein context (NP_000029.2, residues 462-482): HRHAMNELGG[Leu472Ile]QAIAELLQVD

ClinVar aggregate classification (germline): Uncertain significance (1 of 4 stars; one submission).

Conditions:
Hereditary cancer-predisposing syndrome. Also called: Neoplastic Syndromes, Hereditary; Tumor predisposition; Hereditary Cancer Syndrome; Hereditary neoplastic syndrome. Identifiers: Orphanet 140162, MedGen C0027672, MeSH D009386, MONDO:0015356.

Submission:

Ambry Genetics
Classification: Uncertain significance for Hereditary cancer-predisposing syndrome. Last evaluated: 2026-02-23. Review status: criteria provided, single submitter. Criteria: Ambry Variant Classification Scheme 2023. Collection method: clinical testing. Allele origin: germline.
Comment: The p.L472I variant (also known as c.1414C>A), located in coding exon 11 of the APC gene, results from a C to A substitution at nucleotide position 1414. The leucine at codon 472 is replaced by isoleucine, an amino acid with highly similar properties. This amino acid position is conserved. In addition, in silico predictors for this gene do not accurately predict pathogenicity. Based on the available evidence, the clinical significance of this variant remains unclear.